The following is an entry in ClinVar:

ClinVar aggregate classification (germline): Conflicting classifications of pathogenicity. Review status: criteria provided, conflicting classifications (1 of 4 stars). 11 submissions from 11 submitters: Uncertain significance (1); Benign (3); Likely benign (4). 3 of the submissions do not count toward it. Last evaluated 2026-01-19.

Conditions:
TTN-related disorder. Also called: TTN-related disorders; TTN-related condition; TTN-related disease.
Cardiovascular phenotype. Identifiers: MedGen CN230736.
Autosomal recessive limb-girdle muscular dystrophy type 2J (LGMDR10). Also called: MUSCULAR DYSTROPHY, LIMB-GIRDLE, AUTOSOMAL RECESSIVE 10; Limb-girdle muscular dystrophy, type 2J. Identifiers: Orphanet 140922, MedGen C1837342, MONDO:0012127, OMIM 608807.
Dilated cardiomyopathy 1G (CMD1G). Identifiers: Orphanet 154, MedGen C1858763, MONDO:0011400, OMIM 604145.
Cardiomyopathy (CMYO). Also called: Cardiomyopathies. Identifiers: Orphanet 167848, MedGen C0878544, MONDO:0004994, HP:0001638. Inheritance: Various modes of inheritance.

Allele frequency attached by ClinVar (database versions not stated): gnomAD 0.00001 and 0.00021; TOPMed 0.00002; gnomAD exomes 0.00042 and 0.00095; 1000 Genomes Project 0.00080; ExAC 0.00101; 1000 Genomes Project 30x 0.00156.
gnomAD v4.1: 658 of 1,613,740 alleles (0.041%); highest among the groups gnomAD compares: South Asian, 0.68%; 11 homozygotes.

Submissions (11):

Labcorp Genetics (formerly Invitae), Labcorp
Classification: Benign for Dilated cardiomyopathy 1G; Autosomal recessive limb-girdle muscular dystrophy type 2J. Last evaluated: 2026-01-19. Review status: criteria provided, single submitter. Criteria: Invitae Variant Classification Sherloc (09022015). Collection method: clinical testing. Allele origin: germline.

Molecular Diagnostic Laboratory for Inherited Cardiovascular Disease, Montreal Heart Institute
Classification: Likely benign. Last evaluated: 2025-04-09. Review status: criteria provided, single submitter. Criteria: ACMG Guidelines, 2015. Collection method: clinical testing. Allele origin: germline. Affected: no.

CeGaT Center for Human Genetics Tuebingen
Classification: Likely benign. Last evaluated: 2024-05-01. Review status: criteria provided, single submitter. Criteria: CeGaT Center For Human Genetics Tuebingen Variant Classification Criteria Version 2. Collection method: clinical testing. Allele origin: germline. Affected: yes. Observed: 6 variant alleles.
Comment: TTN: BP4, BS2

GeneDx
Classification: Benign. Last evaluated: 2021-04-12. Review status: criteria provided, single submitter. Criteria: GeneDx Variant Classification Process June 2021. Collection method: clinical testing. Allele origin: germline. Affected: yes.

Ambry Genetics
Classification: Likely benign for Cardiovascular phenotype. Last evaluated: 2020-01-07. Review status: criteria provided, single submitter. Criteria: Ambry Variant Classification Scheme 2023. Collection method: clinical testing. Allele origin: germline.

CHEO Genetics Diagnostic Laboratory, Children's Hospital of Eastern Ontario
Classification: Benign for Cardiomyopathy. Last evaluated: 2018-07-31. Review status: criteria provided, single submitter. Criteria: ACMG Guidelines, 2015. Collection method: clinical testing. Allele origin: germline.

Eurofins Ntd Llc (ga)
Classification: Likely benign. Last evaluated: 2016-09-13. Review status: criteria provided, single submitter. Criteria: EGL Classification Definitions 2015. Collection method: clinical testing. Allele origin: germline. Observed: 2 variant alleles, 2 heterozygotes.

Laboratory for Molecular Medicine, Mass General Brigham Personalized Medicine
Classification: Uncertain significance. Last evaluated: 2013-08-11. Review status: criteria provided, single submitter. Criteria: LMM Criteria. Collection method: clinical testing. Allele origin: germline. Observed: 2 variant alleles.
Comment: This variant has not been identif ied in large population studies. Evolutionary conservation and other computation al analyses are limited or unavailable for this variant. Additional information is needed to fully assess its clinical significance.

PreventionGenetics, part of Exact Sciences
Classification: Benign for TTN-related condition. Last evaluated: 2020-09-09. Review status: no assertion criteria provided. Collection method: clinical testing. Allele origin: germline. Not counted in ClinVar's aggregate classification.
Comment: This variant is classified as benign based on ACMG/AMP sequence variant interpretation guidelines (Richards et al. 2015 PMID: 25741868, with internal and published modifications).

Clinical Genetics DNA and cytogenetics Diagnostics Lab, Erasmus MC, Erasmus Medical Center
Classification: Likely benign. Review status: no assertion criteria provided. Collection method: clinical testing. Allele origin: germline. Affected: yes. Study: VKGL Data-share Consensus. Not counted in ClinVar's aggregate classification.

Clinical Genetics, Academic Medical Center
Classification: Benign. Review status: no assertion criteria provided. Collection method: clinical testing. Allele origin: germline. Affected: yes. Study: VKGL Data-share Consensus. Not counted in ClinVar's aggregate classification.

NM_001267550.2(TTN):c.11506G>A (p.Val3836Met)

Gene: TTN (titin; minus strand). Cytogenetic location: 2q31.2.
Variant type: single nucleotide variant.
Coding change: c.11506G>A on transcript NM_001267550.2 (MANE Select); coding-DNA position 11506, G replaced by A.
Protein change: p.Val3836Met; replaces valine 3836 with methionine.
Molecular consequence: missense variant. On other transcripts: intron variant (1).
Genome position (GRCh38, 1-based): chr2:178,741,727, C>T on the plus strand (G>A on the coding strand, the complement: TTN is on the minus strand). VCF-style: chr2-178741727-C-T. GRCh37 (hg19) VCF-style: chr2-179606454-C-T.
Other names: p.V3519M:GTG>ATG; c.10555G>A, p.Val3519Met (NM_001256850.1); c.10792G>A, p.Val3598Met (NM_133432.3); c.10417G>A, p.Val3473Met (NM_003319.4); c.10993G>A, p.Val3665Met (NM_133437.4); c.10361-3367G>A (NM_133378.4); short protein forms V3836M, V3598M, V3519M, V3473M, V3665M.
Identifiers: ClinVar variation 47809 (VCV000047809.62), dbSNP rs397517825, ClinGen allele CA141947.
Genomic context (GRCh38, chr2:178,741,727, plus strand): 5'-TAAAGAACCACTGAATTTTAGGTTTGGGGATGCCAATGACAGTTACAGACAGTGTAGCCA[C>T]ATCCCCCATGCTTATATCAGCATTTGACACTTCTTTGATGAAAATTGGGCCAGTGCCTTC-3'
Protein context (NP_001254479.2, residues 3826-3846): VSNADISMGD[Val3836Met]ATLSVTVIGI